The following is an entry in ClinVar:

ClinVar aggregate classification (germline): Uncertain significance (1 of 4 stars; one submission).

gnomAD v4.1: 1 of 1,614,018 alleles (0.000062%); highest among the groups gnomAD compares: Non-Finnish European, 0.000085%; no homozygotes.

Submission:

CeGaT Center for Human Genetics Tuebingen
Classification: Uncertain significance. Last evaluated: 2025-08-01. Review status: criteria provided, single submitter. Criteria: CeGaT Center For Human Genetics Tuebingen Variant Classification Criteria Version 2. Collection method: clinical testing. Allele origin: germline. Affected: yes. Observed: 1 variant allele.
Comment: NTRK1: PM2

NM_002529.4(NTRK1):c.1916T>C (p.Val639Ala)

Gene: NTRK1 (neurotrophic receptor tyrosine kinase 1; plus strand). Cytogenetic location: 1q23.1.
Variant type: single nucleotide variant.
Coding change: c.1916T>C on transcript NM_002529.4 (MANE Select); coding-DNA position 1916, T replaced by C.
Protein change: p.Val639Ala; replaces valine 639 with alanine.
Molecular consequence: missense variant.
Genome position (GRCh38, 1-based): chr1:156,879,232, T>C. VCF-style: chr1-156879232-T-C. GRCh37 (hg19) VCF-style: chr1-156849024-T-C.
Other names: c.1808T>C, p.Val603Ala (NM_001007792.1); c.1898T>C, p.Val633Ala (NM_001012331.2); short protein forms V603A, V633A, V639A.
Identifiers: ClinVar variation 4085978 (VCV004085978.8).